The following is an entry in ClinVar:

NM_001204424.2(RGS6):c.235+6T>C

Gene: RGS6 (regulator of G protein signaling 6; plus strand). Cytogenetic location: 14q24.2.
Variant type: single nucleotide variant.
Coding change: c.235+6T>C on transcript NM_001204424.2 (MANE Select); 6 bases into the intron after coding-DNA position 235, T replaced by C.
Molecular consequence: intron variant.
Genome position (GRCh38, 1-based): chr14:72,454,584, T>C. VCF-style: chr14-72454584-T-C. GRCh37 (hg19) VCF-style: chr14-72921292-T-C.
Other names: c.235+6T>C (NM_001370270.1, NM_001370289.1, NM_001370282.1 and 29 more transcripts); c.130+6T>C (NM_001204423.2).
Identifiers: ClinVar variation 2986940 (VCV002986940.3), dbSNP rs999383083, ClinGen allele CA262591818.
Genomic context (GRCh38, chr14:72,454,584, plus strand): 5'-GCAGGTACTGACATTGTGCAGTGGCTTATGAAGAACCTTTCCATTGAGGACCCAGGTACT[T>C]GACCTTTGACCCCACCCTTATCTCCCCTGGTATCAGTAAACATCCCATAACCAAGTTCCA-3'

ClinVar aggregate classification (germline): Uncertain significance (1 of 4 stars; one submission).

Allele frequency attached by ClinVar (database versions not stated): TOPMed below 0.00001; gnomAD exomes 0.00001.
gnomAD v4.1: 16 of 1,613,246 alleles (0.00099%); highest among the groups gnomAD compares: Non-Finnish European, 0.0014%; no homozygotes.

Submission:

Labcorp Genetics (formerly Invitae), Labcorp
Classification: Uncertain significance. Last evaluated: 2023-08-21. Review status: criteria provided, single submitter. Criteria: Invitae Variant Classification Sherloc (09022015). Collection method: clinical testing. Allele origin: germline.
Comment: This variant has not been reported in the literature in individuals affected with RGS6-related conditions. This variant is not present in population databases (gnomAD no frequency). This sequence change falls in intron 4 of the RGS6 gene. It does not directly change the encoded amino acid sequence of the RGS6 protein. It affects a nucleotide within the consensus splice site. Variants that disrupt the consensus splice site are a relatively common cause of aberrant splicing (PMID: 17576681, 9536098). Algorithms developed to predict the effect of sequence changes on RNA splicing suggest that this variant is not likely to affect RNA splicing. In summary, the available evidence is currently insufficient to determine the role of this variant in disease. Therefore, it has been classified as a Variant of Uncertain Significance.

Literature cited by the submitters: PubMed 17576681; PubMed 9536098.